The following is an entry in ClinVar:

NM_000038.6(APC):c.4831C>T (p.Gln1611Ter)

Gene: APC (APC regulator of Wnt signaling pathway; plus strand). Cytogenetic location: 5q22.2.
Variant type: single nucleotide variant.
Coding change: c.4831C>T on transcript NM_000038.6 (MANE Select); coding-DNA position 4831, C replaced by T.
Protein change: p.Gln1611Ter; replaces glutamine 1611 with a stop codon.
Molecular consequence: nonsense.
Genome position (GRCh38, 1-based): chr5:112,840,425, C>T. VCF-style: chr5-112840425-C-T. GRCh37 (hg19) VCF-style: chr5-112176122-C-T.
Other names: c.4831C>T, p.Gln1611Ter (NM_001127510.3, NM_001354895.2); c.4777C>T, p.Gln1593Ter (NM_001127511.3); c.4885C>T, p.Gln1629Ter (NM_001354896.2); c.4861C>T, p.Gln1621Ter (NM_001354897.2); c.4756C>T, p.Gln1586Ter (NM_001354898.2); c.4747C>T, p.Gln1583Ter (NM_001354899.2); c.4708C>T, p.Gln1570Ter (NM_001354900.2); c.4654C>T, p.Gln1552Ter (NM_001354901.2); and 5 more; short protein forms Q1593*, Q1611*, Q1328*, Q1451*, Q1570*, Q1629*, Q1485*, Q1520*.
Identifiers: ClinVar variation 449336 (VCV000449336.17), dbSNP rs774847203, ClinGen allele CA16031917.

ClinVar aggregate classification (germline): Pathogenic/Likely pathogenic. Review status: criteria provided, multiple submitters, no conflicts (2 of 4 stars). 5 submissions from 5 submitters: Pathogenic (4); Likely pathogenic (1). Last evaluated 2025-07-23.

Conditions:
Gastric cancer. Also called: Stomach cancer; Malignant tumor of stomach. Identifiers: MedGen C0024623, MeSH D013274, MONDO:0001056, OMIM 613659, HP:0012126.
Colorectal cancer. Also called: Colorectal cancer, somatic; Malignant Colorectal Neoplasm. Identifiers: MedGen C0346629, MONDO:0005575, OMIM 114500.
Familial adenomatous polyposis 1 (FAP1). Also called: FAMILIAL ADENOMATOUS POLYPOSIS 1, ATTENUATED; POLYPOSIS, ADENOMATOUS INTESTINAL. Identifiers: MedGen C2713442, MONDO:0021056, OMIM 175100. Disease mechanism: loss of function.
Hepatocellular carcinoma (HCC). Also called: Primary carcinoma of liver; HEPATOMA; LIVER CELL CARCINOMA. Identifiers: Orphanet 88673, MedGen C2239176, MONDO:0007256, OMIM 114550, HP:0001402.
Desmoid disease, hereditary (DESMD). Also called: FIBROMATOSIS, FAMILIAL INFILTRATIVE. Identifiers: Orphanet 873, MedGen C1851124, OMIM 135290. Disease mechanism: loss of function.
Gastric adenocarcinoma and proximal polyposis of the stomach (GAPPS). Also called: Polyposis, gastric, Dos Santos and de Magalhaes 1980; POLYPOSIS, GASTRIC; Gastric Adenocarcinoma and Proximal Polyposis of the Stomach (GAPPS). Identifiers: Orphanet 314022, MedGen C4749917, MONDO:0017790, OMIM 619182.
Familial multiple polyposis syndrome (FAP). Also called: Familial intestinal polyposis; Familial polyposis; Classic familial adenomatous polyposis; Familial adenomatous polyposis; Familial Adenomatous Polyposis (FAP). Identifiers: Orphanet 733, MedGen C0032580, MONDO:0021055. Disease mechanism: loss of function.

Submissions (5):

Labcorp Genetics (formerly Invitae), Labcorp
Classification: Pathogenic for Familial adenomatous polyposis 1. Last evaluated: 2025-07-23. Review status: criteria provided, single submitter. Criteria: Invitae Variant Classification Sherloc (09022015). Collection method: clinical testing. Allele origin: germline.
Comment: This sequence change creates a premature translational stop signal (p.Gln1611*) in the APC gene. While this is not anticipated to result in nonsense mediated decay, it is expected to disrupt the last 1233 amino acid(s) of the APC protein. This variant is not present in population databases (gnomAD no frequency). This premature translational stop signal has been observed in individual(s) with familial adenomatous polyposis (PMID: 14961559, 20685668). This variant is also known as 3982C>T (Q1328X). ClinVar contains an entry for this variant (Variation ID: 449336). This variant is expected to disrupt the EB1 and HDLG binding sites, which mediate interactions with the cytoskeleton (PMID: 15311282, 17293347). While functional studies have not been performed to directly test the effect on APC protein function, this suggests that disruption of the C-terminal portion of the protein is functionally important. A different truncation (p.Tyr2645Lysfs*14) that lies downstream of this variant has been determined to be pathogenic (PMID: 9824584, 1316610, 27081525, 8381579, 22135120, internal data). This suggests that deletion of this region of the APC protein is causative of disease. For these reasons, this variant has been classified as Pathogenic.

GeneDx
Classification: Pathogenic. Last evaluated: 2025-06-02. Review status: criteria provided, single submitter. Criteria: GeneDx Variant Classification Process June 2021. Collection method: clinical testing. Allele origin: germline. Affected: yes.
Comment: Nonsense variant predicted to result in protein truncation or nonsense mediated decay in a gene for which loss of function is a known mechanism of disease; Disrupts a critical functional domain: 20-aa repeat beta-catenin down-regulating domain, SAMP repeats/Axin binding domain, basic domain, EB1 binding domain, and hDLG binding domain (PMID:18199528); This variant is associated with the following publications: (PMID: 20685668, 12494469)

Fulgent Genetics
Classification: Pathogenic for Colorectal cancer; Hepatocellular carcinoma; Desmoid disease, hereditary; Familial adenomatous polyposis 1; Gastric cancer; Gastric adenocarcinoma and proximal polyposis of the stomach. Last evaluated: 2024-01-31. Review status: criteria provided, single submitter. Criteria: ACMG Guidelines, 2015. Collection method: clinical testing. Allele origin: germline.

Myriad Genetics, Inc.
Classification: Pathogenic for Familial adenomatous polyposis 1. Last evaluated: 2023-05-12. Review status: criteria provided, single submitter. Criteria: Myriad Autosomal Dominant, Autosomal Recessive and X-Linked Classification Criteria (2023). Collection method: clinical testing. Allele origin: unknown.
Comment: This variant is considered pathogenic. This variant creates a termination codon and is predicted to result in premature protein truncation.

Women's Health and Genetics/Laboratory Corporation of America, LabCorp
Classification: Likely pathogenic for Familial adenomatous polyposis. Last evaluated: 2018-03-23. Review status: criteria provided, single submitter. Criteria: LabCorp Variant Classification Summary - May 2015. Collection method: clinical testing. Allele origin: germline.
Comment: Variant summary: APC c.4831C>T (p.Gln1611X) results in a premature termination codon, predicted to cause a truncation of the encoded protein or absence of the protein due to nonsense mediated decay, which are commonly known mechanisms for disease. The variant was absent in 246062 control chromosomes. c.4831C>T has been reported in the literature in an individual affected with Familial Adenomatous Polyposis (Lagarde 2010). This report does not provide unequivocal conclusions about association of the variant with Familial Adenomatous Polyposis. One clinical diagnostic laboratory has submitted clinical-significance assessments for this variant to ClinVar after 2014 without evidence for independent evaluation, and classified the variant as pathogenic. Based on the evidence outlined above, the variant was classified as likely pathogenic.

Literature cited by the submitters: PubMed 14961559 (cited by Labcorp Genetics (formerly Invitae), Labcorp); PubMed 20685668 (cited by Labcorp Genetics (formerly Invitae), Labcorp and Women's Health and Genetics/Laboratory Corporation of America, LabCorp); PubMed 15311282 (cited by Labcorp Genetics (formerly Invitae), Labcorp); PubMed 17293347 (cited by Labcorp Genetics (formerly Invitae), Labcorp); PubMed 9824584 (cited by Labcorp Genetics (formerly Invitae), Labcorp); PubMed 1316610 (cited by Labcorp Genetics (formerly Invitae), Labcorp); PubMed 27081525 (cited by Labcorp Genetics (formerly Invitae), Labcorp); PubMed 8381579 (cited by Labcorp Genetics (formerly Invitae), Labcorp); PubMed 22135120 (cited by Labcorp Genetics (formerly Invitae), Labcorp); PubMed 12494469 (cited by Women's Health and Genetics/Laboratory Corporation of America, LabCorp).